The following is an entry in ClinVar:

ClinVar aggregate classification (germline): Uncertain significance (1 of 4 stars; one submission).

Submission:

GeneDx
Classification: Uncertain significance. Last evaluated: 2025-07-01. Review status: criteria provided, single submitter. Criteria: GeneDx Variant Classification Process June 2021. Collection method: clinical testing. Allele origin: germline. Affected: yes.
Comment: Not observed at significant frequency in large population cohorts (gnomAD); In silico analysis supports that this missense variant has a deleterious effect on protein structure/function; Has not been previously published as pathogenic or benign to our knowledge

NM_001109878.2(TBX22):c.331G>A (p.Glu111Lys)

Gene: TBX22 (T-box transcription factor 22). Cytogenetic location: Xq21.1.
Variant type: single nucleotide variant.
Coding change: c.331G>A on transcript NM_001109878.2 (MANE Select); coding-DNA position 331, G replaced by A.
Protein change: p.Glu111Lys; replaces glutamic acid 111 with lysine.
Molecular consequence: missense variant. On other transcripts: 5 prime UTR variant (2).
Genome position (GRCh38, 1-based): chrX:80,023,215, G>A. VCF-style: chrX-80023215-G-A. GRCh37 (hg19) VCF-style: chrX-79278714-G-A.
Other names: c.-26G>A (NM_001109879.2); c.-93G>A (NM_001303475.1); c.331G>A, p.Glu111Lys (NM_016954.2); short protein forms E111K.
Identifiers: ClinVar variation 4681121 (VCV004681121.1).
Genomic context (GRCh38, chrX:80,023,215, plus strand): 5'-GATATTCAAATGGAGCTTCAAGGATCTGAACTGTGGAAAAGATTCCATGACATCGGGACT[G>A]AGATGATCATTACTAAAGCGGGCAGGTTCGGTTCTGCCCAAGCTGTTCACAAGGGTCACA-3'
Protein context (NP_001103348.1, residues 101-121): LWKRFHDIGT[Glu111Lys]MIITKAGRRM